The following is an entry in ClinVar:

ClinVar aggregate classification (germline): Uncertain significance. Review status: criteria provided, multiple submitters, no conflicts (2 of 4 stars). 2 submissions from 2 submitters: Uncertain significance (2). Last evaluated 2025-02-13.

Conditions:
Inborn genetic diseases. Identifiers: MedGen C0950123, MeSH D030342.

gnomAD v4.1: 4 of 1,600,640 alleles (0.00025%); highest among the groups gnomAD compares: Admixed American, 0.0034%; no homozygotes.

Submissions (2):

Ambry Genetics
Classification: Uncertain significance for Inborn genetic diseases. Last evaluated: 2025-02-13. Review status: criteria provided, single submitter. Criteria: Ambry Variant Classification Scheme 2023. Collection method: clinical testing. Allele origin: germline.

Labcorp Genetics (formerly Invitae), Labcorp
Classification: Uncertain significance. Last evaluated: 2021-03-29. Review status: criteria provided, single submitter. Criteria: Invitae Variant Classification Sherloc (09022015). Collection method: clinical testing. Allele origin: germline.
Comment: In summary, the available evidence is currently insufficient to determine the role of this variant in disease. Therefore, it has been classified as a Variant of Uncertain Significance. Algorithms developed to predict the effect of missense changes on protein structure and function are either unavailable or do not agree on the potential impact of this missense change (SIFT: "Deleterious"; PolyPhen-2: "Probably Damaging"; Align-GVGD: "Class C0"). This variant has not been reported in the literature in individuals with ERCC2-related conditions. This variant is not present in population databases (ExAC no frequency). This sequence change replaces glutamic acid with glutamine at codon 284 of the ERCC2 protein (p.Glu284Gln). The glutamic acid residue is highly conserved and there is a small physicochemical difference between glutamic acid and glutamine.

NM_000400.4(ERCC2):c.850G>C (p.Glu284Gln)

Gene: ERCC2 (ERCC excision repair 2, TFIIH core complex helicase subunit; minus strand). Cytogenetic location: 19q13.32.
Variant type: single nucleotide variant.
Coding change: c.850G>C on transcript NM_000400.4 (MANE Select); coding-DNA position 850, G replaced by C.
Protein change: p.Glu284Gln; replaces glutamic acid 284 with glutamine.
Molecular consequence: missense variant.
Genome position (GRCh38, 1-based): chr19:45,364,085, C>G on the plus strand (G>C on the coding strand, the complement: ERCC2 is on the minus strand). VCF-style: chr19-45364085-C-G. GRCh37 (hg19) VCF-style: chr19-45867343-C-G.
Other names: c.778G>C, p.Glu260Gln (NM_001130867.2); short protein forms E284Q, E260Q.
Identifiers: ClinVar variation 1381959 (VCV001381959.11), dbSNP rs1054768577, ClinGen allele CA308966824.
Genomic context (GRCh38, chr19:45,364,085, plus strand): 5'-GGGCGTCCGTCTCCCGGGCGGCGCTGGCCTCCCGCAGCCCCTCCACCAGACGCCGGTACT[C>G]GTCCCGCAGGCGCTGCTCGTCTGTCTCTTTGATCCTGCGGAGAGATGAGCTGGGGCTGGG-3'
Protein context (NP_000391.1, residues 274-294): KETDEQRLRD[Glu284Gln]YRRLVEGLRE